The following is an entry in ClinVar:

ClinVar aggregate classification (germline): Likely benign (1 of 4 stars; one submission).

Conditions:
Familial cancer of breast. Also called: hereditary breast carcinoma; BREAST CANCER, FAMILIAL; Hereditary breast cancer. Identifiers: Orphanet 227535, MedGen C0346153, MONDO:0016419, OMIM 114480. Disease mechanism: loss of function.

Submission:

Myriad Genetics, Inc.
Classification: Likely benign for Familial cancer of breast. Last evaluated: 2024-06-14. Review status: criteria provided, single submitter. Criteria: Myriad Autosomal Dominant, Autosomal Recessive and X-Linked Classification Criteria (2023). Collection method: clinical testing. Allele origin: unknown.
Comment: This variant is considered likely benign. This variant is intronic and is not expected to impact mRNA splicing.

NM_000051.4(ATM):c.7516-11T>C

Genes: ATM (ATM serine/threonine kinase; plus strand), C11orf65 (chromosome 11 open reading frame 65; minus strand). Cytogenetic location: 11q22.3.
Variant type: single nucleotide variant.
Coding change: c.7516-11T>C on transcript NM_000051.4 (MANE Select); 11 bases into the intron before coding-DNA position 7516, T replaced by C.
Molecular consequence: intron variant. On other transcripts: non-coding transcript variant (1).
Genome position (GRCh38, 1-based): chr11:108,331,433, T>C. VCF-style: chr11-108331433-T-C. GRCh37 (hg19) VCF-style: chr11-108202160-T-C.
Other names: c.7516-11T>C (NM_001351834.2); c.641-22362A>G (NM_001330368.2); c.*38+3787A>G (NM_001351110.2).
Identifiers: ClinVar variation 3253794 (VCV003253794.1), dbSNP rs2547273203.